The following is an entry in ClinVar:

NM_001191061.2(SLC25A22):c.191G>T (p.Gly64Val)

Gene: SLC25A22 (solute carrier family 25 member 22; minus strand). Cytogenetic location: 11p15.5.
Variant type: single nucleotide variant.
Coding change: c.191G>T on transcript NM_001191061.2 (MANE Select); coding-DNA position 191, G replaced by T.
Protein change: p.Gly64Val; replaces glycine 64 with valine.
Molecular consequence: missense variant.
Genome position (GRCh38, 1-based): chr11:794,469, C>A on the plus strand (G>T on the coding strand, the complement: SLC25A22 is on the minus strand). VCF-style: chr11-794469-C-A. GRCh37 (hg19) VCF-style: chr11-794469-C-A.
Other names: NM_001191060.2:c.191G>T; c.191G>T, p.Gly64Val (NM_001191060.2, NM_024698.6); short protein forms G64V.
Identifiers: ClinVar variation 2500932 (VCV002500932.1), dbSNP rs769401559, ClinGen allele CA5789333.

ClinVar aggregate classification (germline): Uncertain significance (1 of 4 stars; one submission).

Conditions:
Developmental and epileptic encephalopathy, 3 (DEE3). Also called: Epileptic encephalopathy, early infantile, 3. Identifiers: MedGen C5574665, MONDO:0012245, OMIM 609304.

Allele frequency attached by ClinVar (database versions not stated): gnomAD exomes below 0.00001; ExAC 0.00001.
gnomAD v4.1: 1 of 1,613,008 alleles (0.000062%); highest among the groups gnomAD compares: South Asian, 0.0011%; no homozygotes.

Submission:

Broad Center for Mendelian Genomics, Broad Institute of MIT and Harvard
Classification: Uncertain significance for Developmental and epileptic encephalopathy, 3. Last evaluated: 2023-05-02. Review status: criteria provided, single submitter. Criteria: ACMG Guidelines, 2015. Collection method: curation. Allele origin: germline. Inheritance: Autosomal recessive inheritance.
Comment: The homozygous c.190+1G>T variant in SLC25A22 was identified by our study in two siblings with epileptic encephalopathy. The c.190+1G>T variant in SLC25A22 has not been previously reported in individuals with developmental and epileptic encephalopathy 3, but has been identified in 0.003% (1/30514) of South Asian chromosomes by the Genome Aggregation Database (gnomAD; dbSNP rs769401559). Although this variant has been seen in the general population in a heterozygous state, its frequency is low enough to be consistent with a recessive carrier frequency. This variant occurs in the 5‚Äô splice region in a non-biologically relevant transcript of the SLC25A22 gene; thus, per current recommendations (PMID: 30192042), the PVS1 criterion, used as evidence of pathogenicity of loss of function variants, cannot be used at any level. In summary, the clinical significance of the c.190+1G>T variant is uncertain. ACMG/AMP Criteria applied: PM2_Supporting, PM3_Supporting (Richards 2015).